The following is an entry in ClinVar:

NM_001082971.2(DDC):c.968C>T (p.Thr323Met)

Gene: DDC (dopa decarboxylase; minus strand). Cytogenetic location: 7p12.2.
Variant type: single nucleotide variant.
Coding change: c.968C>T on transcript NM_001082971.2 (MANE Select); coding-DNA position 968, C replaced by T.
Protein change: p.Thr323Met; replaces threonine 323 with methionine.
Molecular consequence: missense variant.
Genome position (GRCh38, 1-based): chr7:50,479,840, G>A on the plus strand (C>T on the coding strand, the complement: DDC is on the minus strand). VCF-style: chr7-50479840-G-A. GRCh37 (hg19) VCF-style: chr7-50547538-G-A.
Other names: c.968C>T, p.Thr323Met (NM_000790.4); c.854C>T, p.Thr285Met (NM_001242886.2); c.824C>T, p.Thr275Met (NM_001242887.2); c.734C>T, p.Thr245Met (NM_001242888.2); c.689C>T, p.Thr230Met (NM_001242889.2); short protein forms T245M, T323M, T285M, T275M, T230M.
Identifiers: ClinVar variation 1420097 (VCV001420097.4), dbSNP rs140562157, ClinGen allele CA4262134.
Genomic context (GRCh38, chr7:50,479,840, plus strand): 5'-AGCTTACCTGAATCCTGATGGCTGTGCTTCAGGTAAGTGGGGTCCAGTCTAAAGGCTCCC[G>A]TTAAGTCTGTTCTCTTTTTCACCCTGGTTTTAGAGAACAAATGAAAGGGCTGATAACCAA-3'
Protein context (NP_001076440.2, residues 313-333): AMWVKKRTDL[Thr323Met]GAFRLDPTYL

ClinVar aggregate classification (germline): Uncertain significance (1 of 4 stars; one submission).

Conditions:
Deficiency of aromatic-L-amino-acid decarboxylase. Also called: AADC DEFICIENCY; DDC DEFICIENCY; DOPA DECARBOXYLASE DEFICIENCY; Aromatic amino acid decarboxylase deficiency; Aromatic L-Amino Acid Decarboxylase Deficiency. Identifiers: Orphanet 35708, MedGen C1291564, MONDO:0012084, OMIM 608643.

Allele frequency attached by ClinVar (database versions not stated): gnomAD exomes 0.00002 and 0.00004; ExAC 0.00004; ESP Exome Variant Server 0.00008.

Submission:

Labcorp Genetics (formerly Invitae), Labcorp
Classification: Uncertain significance for Deficiency of aromatic-L-amino-acid decarboxylase. Last evaluated: 2026-01-07. Review status: criteria provided, single submitter. Criteria: Invitae Variant Classification Sherloc (09022015). Collection method: clinical testing. Allele origin: germline.
Comment: This sequence change replaces threonine, which is neutral and polar, with methionine, which is neutral and non-polar, at codon 323 of the DDC protein (p.Thr323Met). This variant is present in population databases (rs140562157, gnomAD 0.02%). This variant has not been reported in the literature in individuals affected with DDC-related conditions. ClinVar contains an entry for this variant (Variation ID: 1420097). Invitae Evidence Modeling of protein sequence and biophysical properties (such as structural, functional, and spatial information, amino acid conservation, physicochemical variation, residue mobility, and thermodynamic stability) has been performed for this missense variant. However, the output from this modeling did not meet the statistical confidence thresholds required to predict the impact of this variant on DDC protein function. In summary, the available evidence is currently insufficient to determine the role of this variant in disease. Therefore, it has been classified as a Variant of Uncertain Significance.